The following is an entry in ClinVar:

ClinVar aggregate classification (germline): Uncertain significance. Review status: criteria provided, multiple submitters, no conflicts (2 of 4 stars). 2 submissions from 2 submitters: Uncertain significance (2). Last evaluated 2026-06-26.

Conditions:
Hereditary cancer-predisposing syndrome. Also called: Tumor predisposition; Hereditary Cancer Syndrome; Hereditary neoplastic syndrome; Neoplastic Syndromes, Hereditary. Identifiers: Orphanet 140162, MedGen C0027672, MeSH D009386, MONDO:0015356.
Hereditary pheochromocytoma and paraganglioma. Also called: Hereditary paragangliomas and pheochromocytomas; Hereditary pheochromocytoma-paraganglioma; Hereditary Paraganglioma-Pheochromocytoma Syndromes. Identifiers: Orphanet 29072, MedGen C4274332, MONDO:0017366.

Submissions (2):

Ambry Genetics
Classification: Uncertain significance for Hereditary cancer-predisposing syndrome. Last evaluated: 2026-06-26. Review status: criteria provided, single submitter. Criteria: Ambry Variant Classification Scheme 2023. Collection method: clinical testing. Allele origin: germline.
Comment: The p.C83R variant (also known as c.247T>C), located in coding exon 2 of the SDHAF2 gene, results from a T to C substitution at nucleotide position 247. The cysteine at codon 83 is replaced by arginine, an amino acid with highly dissimilar properties. This amino acid position is conserved. In addition, this alteration is predicted to be deleterious by in silico analysis. Based on the available evidence, the clinical significance of this variant remains unclear.

Labcorp Genetics (formerly Invitae), Labcorp
Classification: Uncertain significance for Hereditary pheochromocytoma and paraganglioma. Last evaluated: 2022-02-05. Review status: criteria provided, single submitter. Criteria: Invitae Variant Classification Sherloc (09022015). Collection method: clinical testing. Allele origin: germline.
Comment: In summary, the available evidence is currently insufficient to determine the role of this variant in disease. Therefore, it has been classified as a Variant of Uncertain Significance. Algorithms developed to predict the effect of missense changes on protein structure and function are either unavailable or do not agree on the potential impact of this missense change (SIFT: "Tolerated"; PolyPhen-2: "Probably Damaging"; Align-GVGD: "Class C0"). This variant has not been reported in the literature in individuals affected with SDHAF2-related conditions. This variant is not present in population databases (gnomAD no frequency). This sequence change replaces cysteine, which is neutral and slightly polar, with arginine, which is basic and polar, at codon 83 of the SDHAF2 protein (p.Cys83Arg).

NM_017841.4(SDHAF2):c.247T>C (p.Cys83Arg)

Gene: SDHAF2 (succinate dehydrogenase complex assembly factor 2; plus strand). Cytogenetic location: 11q12.2.
Variant type: single nucleotide variant.
Coding change: c.247T>C on transcript NM_017841.4 (MANE Select); coding-DNA position 247, T replaced by C.
Protein change: p.Cys83Arg; replaces cysteine 83 with arginine.
Molecular consequence: missense variant.
Genome position (GRCh38, 1-based): chr11:61,437,835, T>C. VCF-style: chr11-61437835-T-C. GRCh37 (hg19) VCF-style: chr11-61205307-T-C.
Other names: short protein forms C83R.
Identifiers: ClinVar variation 2075365 (VCV002075365.5), dbSNP rs1862012757, ClinGen allele CA380683876.
Genomic context (GRCh38, chr11:61,437,835, plus strand): 5'-ATAGAAACCAAAAGAGCCCGCCTGCTCTATGAGAGCAGAAAGAGGGGAATGTTGGAAAAC[T>C]GCATTCTTCTTAGGTATGGGACTAGGAGTCTTTTTTTTTAAATCGGGCAGCTTCCTGAGC-3'
Protein context (NP_060311.1, residues 73-93): ESRKRGMLEN[Cys83Arg]ILLSLFAKEH